The following is an entry in ClinVar:

NM_000384.3(APOB):c.11092A>G (p.Arg3698Gly)

Gene: APOB (apolipoprotein B; minus strand). Cytogenetic location: 2p24.1.
Variant type: single nucleotide variant.
Coding change: c.11092A>G on transcript NM_000384.3 (MANE Select); coding-DNA position 11092, A replaced by G.
Protein change: p.Arg3698Gly; replaces arginine 3698 with glycine.
Molecular consequence: missense variant.
Genome position (GRCh38, 1-based): chr2:21,005,776, T>C on the plus strand (A>G on the coding strand, the complement: APOB is on the minus strand). VCF-style: chr2-21005776-T-C. GRCh37 (hg19) VCF-style: chr2-21228648-T-C.
Other names: short protein forms R3698G.
Identifiers: ClinVar variation 635220 (VCV000635220.12), dbSNP rs757756141, ClinGen allele CA045480.

ClinVar aggregate classification (germline): Conflicting classifications of pathogenicity. Review status: criteria provided, conflicting classifications (1 of 4 stars). 3 submissions from 3 submitters: Uncertain significance (2); Likely benign (1). Last evaluated 2025-11-06.

Conditions:
Hypercholesterolemia, autosomal dominant, type B (FHCL2). Also called: Familial Hypercholesterolemia Type B; Familial hypercholesterolemia 2; Hyperlipoproteinemia Type IIb; APOLIPOPROTEIN B-100, FAMILIAL DEFECTIVE; APOLIPOPROTEIN B-100, FAMILIAL LIGAND-DEFECTIVE; HYPERCHOLESTEROLEMIA, FAMILIAL, DUE TO LIGAND-DEFECTIVE APOLIPOPROTEIN B. Identifiers: MedGen C1704417, MONDO:0007751, OMIM 144010.
Familial hypobetalipoproteinemia 1. Also called: Hypobetalipoproteinemia, normotriglyceridemic; Acanthocytosis with hypobetalipoproteinemia; APOB-Related Familial Hypobetalipoproteinemia. Identifiers: MedGen C4551990, MONDO:0014252, OMIM 615558.
Cardiovascular phenotype. Identifiers: MedGen CN230736.

Allele frequency attached by ClinVar (database versions not stated): gnomAD exomes 0.00001; ExAC 0.00001; TOPMed 0.00001.
gnomAD v4.1: 15 of 1,614,052 alleles (0.00093%); highest among the groups gnomAD compares: Middle Eastern, 0.017%; no homozygotes.

Submissions (3):

Labcorp Genetics (formerly Invitae), Labcorp
Classification: Likely benign for Familial hypobetalipoproteinemia 1; Hypercholesterolemia, autosomal dominant, type B. Last evaluated: 2025-11-06. Review status: criteria provided, single submitter. Criteria: Invitae Variant Classification Sherloc (09022015). Collection method: clinical testing. Allele origin: germline.

Ambry Genetics
Classification: Uncertain significance for Cardiovascular phenotype. Last evaluated: 2023-04-09. Review status: criteria provided, single submitter. Criteria: Ambry Variant Classification Scheme 2023. Collection method: clinical testing. Allele origin: germline.
Comment: The p.R3698G variant (also known as c.11092A>G), located in coding exon 26 of the APOB gene, results from an A to G substitution at nucleotide position 11092. The arginine at codon 3698 is replaced by glycine, an amino acid with dissimilar properties. This amino acid position is not well conserved in available vertebrate species. In addition, this alteration is predicted to be tolerated by in silico analysis. Since supporting evidence is limited at this time, the clinical significance of this alteration remains unclear.

Stanford Center for Inherited Cardiovascular Disease, Stanford University
Classification: Uncertain significance. Last evaluated: 2017-06-27. Review status: criteria provided, single submitter. Criteria: ACMG Guidelines, 2015. Collection method: provider interpretation. Allele origin: germline.